The following is an entry in ClinVar:

ClinVar aggregate classification (germline): Likely benign (0 of 4 stars; one submission).

Conditions:
GRIK5-related disorder. Also called: GRIK5-related condition.

Allele frequency attached by ClinVar (database versions not stated): gnomAD 0.00002; gnomAD exomes 0.00003; ExAC 0.00010.
gnomAD v4.1: 46 of 1,593,202 alleles (0.0029%); highest among the groups gnomAD compares: Admixed American, 0.074%; no homozygotes.

Submission:

PreventionGenetics, part of Exact Sciences
Classification: Likely benign for GRIK5-related condition. Last evaluated: 2019-06-26. Review status: no assertion criteria provided. Collection method: clinical testing. Allele origin: germline.
Comment: This variant is classified as likely benign based on ACMG/AMP sequence variant interpretation guidelines (Richards et al. 2015 PMID: 25741868, with internal and published modifications).

NM_002088.5(GRIK5):c.2263+9C>T

Gene: GRIK5 (glutamate ionotropic receptor kainate type subunit 5; minus strand). Cytogenetic location: 19q13.2.
Variant type: single nucleotide variant.
Coding change: c.2263+9C>T on transcript NM_002088.5 (MANE Select); 9 bases into the intron after coding-DNA position 2263, C replaced by T.
Molecular consequence: intron variant.
Genome position (GRCh38, 1-based): chr19:42,005,714, G>A on the plus strand (C>T on the coding strand, the complement: GRIK5 is on the minus strand). VCF-style: chr19-42005714-G-A. GRCh37 (hg19) VCF-style: chr19-42509866-G-A.
Other names: c.2263+9C>T (NM_001301030.2).
Identifiers: ClinVar variation 3042573 (VCV003042573.2), dbSNP rs199808612, ClinGen allele CA9468185.